The following is an entry in ClinVar:

ClinVar aggregate classification (germline): Conflicting classifications of pathogenicity. Review status: criteria provided, conflicting classifications (1 of 4 stars). 3 submissions from 3 submitters: Likely pathogenic (1); Uncertain significance (2). Last evaluated 2024-12-24.

Conditions:
Cardiovascular phenotype. Identifiers: MedGen CN230736.
Long QT syndrome (LQTS). Identifiers: MedGen C0023976, MeSH D008133, MONDO:0002442. Disease mechanism: loss of function. Inheritance: Various modes of inheritance.

Submissions (3):

Ambry Genetics
Classification: Uncertain significance for Cardiovascular phenotype. Last evaluated: 2024-12-24. Review status: criteria provided, single submitter. Criteria: Ambry Variant Classification Scheme 2023. Collection method: clinical testing. Allele origin: germline.
Comment: The c.1029_1031dupAGC variant (also known as p.A344dup), located in coding exon 7 of the KCNQ1 gene, results from an in-frame duplication of AGC at nucleotide positions 1029 to 1031. This results in the duplication of an extra residue between codons 344 and 345. This amino acid position is highly conserved in available vertebrate species. In addition, this alteration is predicted to be deleterious by in silico analysis (Choi Y et al. PLoS ONE. 2012; 7(10):e46688). Based on the available evidence, the clinical significance of this variant remains unclear.

Labcorp Genetics (formerly Invitae), Labcorp
Classification: Uncertain significance for Long QT syndrome. Last evaluated: 2022-07-21. Review status: criteria provided, single submitter. Criteria: Invitae Variant Classification Sherloc (09022015). Collection method: clinical testing. Allele origin: germline.
Comment: ClinVar contains an entry for this variant (Variation ID: 200885). This variant has not been reported in the literature in individuals affected with KCNQ1-related conditions. This variant is not present in population databases (gnomAD no frequency). This variant, c.1029_1031dup, results in the insertion of 1 amino acid(s) of the KCNQ1 protein (p.Ala344dup), but otherwise preserves the integrity of the reading frame. In summary, the available evidence is currently insufficient to determine the role of this variant in disease. Therefore, it has been classified as a Variant of Uncertain Significance. Algorithms developed to predict the effect of sequence changes on RNA splicing suggest that this variant may create or strengthen a splice site. Experimental studies and prediction algorithms are not available or were not evaluated, and the functional significance of this variant is currently unknown.

GeneDx
Classification: Likely pathogenic. Last evaluated: 2014-04-15. Review status: criteria provided, single submitter. Criteria: GeneDx Variant Classification (06012015). Collection method: clinical testing. Allele origin: germline. Affected: yes.
Comment: This variant has not been published as a pathogenic variant, nor has it been reported as a benign polymorphism to our knowledge. The c.1029_1031dupAGC variant results in insertion of nucleotides AGC, which maintains the reading frame and results in duplication of the Alanine at position 344. While the c.1029_1031dupAGC variant is not predicted by in silico algorithms to affect splicing, two other variants at this residue (A344E and A344V) have been reported in association with LQTS. Alanine 344 is located in the S6 transmembrane domain of the KCNQ1 protein, which hosts many other arrhythmia-associated missense variants. This substitution occurs at a position that is conserved across species. The KCNQ1 variant was not observed in approximately 6,500 individuals of European and African American ancestry in the NHLBI Exome Sequencing Project, indicating it is not a common benign variant in these populations. Other in frame duplications in the KCNQ1 gene have been reported in association with LQTS. Therefore, this variant is a strong candidate for a pathogenic variant, however the possibility that it is a benign variant cannot be excluded.

NM_000218.3(KCNQ1):c.1029_1031dup (p.Ala344_Gly345insAla)

Gene: KCNQ1 (potassium voltage-gated channel subfamily Q member 1; plus strand). Cytogenetic location: 11p15.5.
Variant type: Duplication.
Coding change: c.1029_1031dup on transcript NM_000218.3 (MANE Select); coding-DNA positions 1029 to 1031, 3 bases duplicated (AGC; older notation c.1029_1031dupAGC).
Protein change: p.Ala344_Gly345insAla.
Molecular consequence: inframe insertion. On other transcripts: inframe indel (5).
Genome position (GRCh38, 1-based): chr11:2,583,542-2,583,544, AGC duplicated; duplicating any 3 consecutive bases within chr11:2,583,541-2,583,544 gives the same sequence; the c. name uses the placement nearest the transcript's 3' end. VCF-style (leftmost placement, unchanged base first): chr11-2583540-C-CCAG. GRCh37 (hg19) VCF-style: chr11-2604770-C-CCAG.
Other names: c.1029_1031dupAGC (NM_000218.2); c.1029_1031dup, p.Ala344_Thr345insAla (NM_001406836.1); c.759_761dup, p.Ala254_Gly255insAla (NM_001406837.1); c.585_587dup, p.Ala196_Thr197insAla (NM_001406838.1); c.648_650dup, p.Ala217_Gly218insAla (NM_181798.2).
Identifiers: ClinVar variation 200885 (VCV000200885.13), dbSNP rs794728559, ClinGen allele CA305978.